The following is an entry in ClinVar:

NM_000138.5(FBN1):c.*1989C>T

Gene: FBN1 (fibrillin 1; minus strand). Cytogenetic location: 15q21.1.
Variant type: single nucleotide variant.
Coding change: c.*1989C>T on transcript NM_000138.5 (MANE Select); 1989 bases downstream of the stop codon, C replaced by T.
Molecular consequence: 3 prime UTR variant.
Genome position (GRCh38, 1-based): chr15:48,409,001, G>A on the plus strand (C>T on the coding strand, the complement: FBN1 is on the minus strand). VCF-style: chr15-48409001-G-A. GRCh37 (hg19) VCF-style: chr15-48701198-G-A.
Identifiers: ClinVar variation 316317 (VCV000316317.7), dbSNP rs56194244, ClinGen allele CA10646155.

ClinVar aggregate classification (germline): Benign/Likely benign. Review status: criteria provided, multiple submitters, no conflicts (2 of 4 stars). 8 submissions from 2 submitters: Benign (6); Likely benign (2). Last evaluated 2019-04-19.

Conditions:
Marfan syndrome (MFS). Also called: Marfan syndrome type 1; Marfan's syndrome; MARFAN SYNDROME, TYPE I; Marfan syndrome, classic; FBN1-Related Marfan Syndrome. Identifiers: Orphanet 284963, Orphanet 558, MedGen C0024796, MONDO:0007947, OMIM 154700.
Stiff skin syndrome (SSKS). Identifiers: Orphanet 2833, MedGen C1861456, MONDO:0008492, OMIM 184900.
Geleophysic dysplasia. Identifiers: Orphanet 2623, MedGen C3489726, MONDO:0000127.
Familial thoracic aortic aneurysm and aortic dissection (TAAD). Also called: Thoracic aortic aneurysms and dissections. Identifiers: Orphanet 91387, MedGen C4707243, MONDO:0019625.
Acromicric dysplasia (ACMICD). Also called: Acromicric skeletal dysplasia. Identifiers: Orphanet 969, MedGen C0265287, MONDO:0007055, OMIM 102370.
Ectopia lentis 1, isolated, autosomal dominant (ECTOL1). Identifiers: Orphanet 1885, MedGen C3541518, MONDO:0007514, OMIM 129600.
Weill-Marchesani syndrome. Also called: WM Syndrome; Mesodermal dysmorphodystrophy congenital. Identifiers: Orphanet 3449, MedGen C0265313, MONDO:0018096.

Allele frequency attached by ClinVar (database versions not stated): TOPMed 0.01224; gnomAD 0.01330 and 0.01305; 1000 Genomes Project 0.00659; 1000 Genomes Project 30x 0.00687.

Submissions (8):

GeneDx
Classification: Likely benign. Last evaluated: 2019-04-19. Review status: criteria provided, single submitter. Criteria: GeneDx Variant Classification Process June 2021. Collection method: clinical testing. Allele origin: germline. Affected: yes.
Comment: This variant is associated with the following publications: (PMID: 30385411)

Illumina Laboratory Services, Illumina
Classification: Benign for Geleophysic dysplasia. Last evaluated: 2018-01-13. Review status: criteria provided, single submitter. Criteria: ICSL Variant Classification Criteria 13 December 2019. Collection method: clinical testing. Allele origin: germline.
Comment: This variant was observed in the ICSL laboratory as part of a predisposition screen in an ostensibly healthy population. It had not been previously curated by ICSL or reported in the Human Gene Mutation Database (HGMD: prior to June 1st, 2018), and was therefore a candidate for classification through an automated scoring system. Utilizing variant allele frequency, disease prevalence and penetrance estimates, and inheritance mode, an automated score was calculated to assess if this variant is too frequent to cause the disease. Based on the score and internal cut-off values, a variant classified as benign is not then subjected to further curation. The score for this variant resulted in a classification of benign for this disease.

Illumina Laboratory Services, Illumina
Classification: Benign for Weill-Marchesani syndrome. Last evaluated: 2018-01-13. Review status: criteria provided, single submitter. Criteria: ICSL Variant Classification Criteria 13 December 2019. Collection method: clinical testing. Allele origin: germline.
Comment: the same text as in the submission from Illumina Laboratory Services, Illumina above.

Illumina Laboratory Services, Illumina
Classification: Benign for Acromicric dysplasia. Last evaluated: 2018-01-13. Review status: criteria provided, single submitter. Criteria: ICSL Variant Classification Criteria 13 December 2019. Collection method: clinical testing. Allele origin: germline.
Comment: the same text as in the submission from Illumina Laboratory Services, Illumina above.

Illumina Laboratory Services, Illumina
Classification: Benign for Marfan syndrome. Last evaluated: 2018-01-13. Review status: criteria provided, single submitter. Criteria: ICSL Variant Classification Criteria 13 December 2019. Collection method: clinical testing. Allele origin: germline.
Comment: the same text as in the submission from Illumina Laboratory Services, Illumina above.

Illumina Laboratory Services, Illumina
Classification: Benign for Ectopia lentis 1, isolated, autosomal dominant. Last evaluated: 2018-01-13. Review status: criteria provided, single submitter. Criteria: ICSL Variant Classification Criteria 13 December 2019. Collection method: clinical testing. Allele origin: germline.
Comment: the same text as in the submission from Illumina Laboratory Services, Illumina above.

Illumina Laboratory Services, Illumina
Classification: Benign for Stiff skin syndrome. Last evaluated: 2018-01-13. Review status: criteria provided, single submitter. Criteria: ICSL Variant Classification Criteria 13 December 2019. Collection method: clinical testing. Allele origin: germline.
Comment: the same text as in the submission from Illumina Laboratory Services, Illumina above.

Illumina Laboratory Services, Illumina
Classification: Likely benign for Familial thoracic aortic aneurysm and aortic dissection. Last evaluated: 2018-01-13. Review status: criteria provided, single submitter. Criteria: ICSL Variant Classification Criteria 13 December 2019. Collection method: clinical testing. Allele origin: germline.
Comment: This variant was observed in the ICSL laboratory as part of a predisposition screen in an ostensibly healthy population. It had not been previously curated by ICSL or reported in the Human Gene Mutation Database (HGMD: prior to June 1st, 2018), and was therefore a candidate for classification through an automated scoring system. Utilizing variant allele frequency, disease prevalence and penetrance estimates, and inheritance mode, an automated score was calculated to assess if this variant is too frequent to cause the disease. Based on the score and internal cut-off values, a variant classified as likely benign is not then subjected to further curation. The score for this variant resulted in a classification of likely benign for this disease.